The following is an entry in ClinVar:

NM_001386140.1(MTTP):c.714del (p.Phe238fs)

Gene: MTTP (microsomal triglyceride transfer protein; plus strand). Cytogenetic location: 4q23.
Variant type: Deletion.
Coding change: c.714del on transcript NM_001386140.1 (MANE Select); coding-DNA position 714, one base deleted (T; older notation c.714delT).
Protein change: p.Phe238fs; shifts the reading frame from phenylalanine 238.
Molecular consequence: frameshift variant.
Genome position (GRCh38, 1-based): chr4:99,591,746, T deleted; the last of 4 consecutive T bases (chr4:99,591,743-99,591,746); deleting any one gives the same sequence. VCF-style (leftmost placement, unchanged base first): chr4-99591742-AT-A. GRCh37 (hg19) VCF-style: chr4-100512899-AT-A.
Other names: c.714del, p.Phe238fs (NM_000253.4); c.465del, p.Phe155fs (NM_001300785.2); short protein forms F155fs, F238fs.
Identifiers: ClinVar variation 5016118 (VCV005016118.1).

ClinVar aggregate classification (germline): Pathogenic (1 of 4 stars; one submission).

Conditions:
Abetalipoproteinaemia (ABL). Also called: MTP DEFICIENCY; Abetalipoproteinemia; Abetalipoproteinemia neuropathy; Apolipoprotein B deficiency; Congenital betalipoprotein deficiency syndrome. Identifiers: Orphanet 14, MedGen C0000744, MONDO:0008692, OMIM 200100, HP:0008181.

Submission:

Myriad Genetics, Inc.
Classification: Pathogenic for Abetalipoproteinaemia. Last evaluated: 2026-07-11. Review status: criteria provided, single submitter. Criteria: Myriad Autosomal Dominant, Autosomal Recessive and X-Linked Classification Criteria (2023). Collection method: clinical testing. Allele origin: unknown.
Comment: NM_000253.2(MTTP):c.714delT(F238Lfs*3) is expected to be pathogenic in the context of abetalipoproteinemia. This variant is predicted to lead to an abnormal or absent protein product due to the creation of a premature termination codon in MTTP, a gene where loss-of-function variants are known to be pathogenic. Please note: this variant was assessed in the context of healthy population screening.